The following continues an entry in ClinVar:

NM_000517.6(HBA2):c.95+2_95+6del

ClinVar aggregate classification (germline): Pathogenic. Pathogenic (1).

Submissions 10 to 13 of 13:

Genetics and Molecular Pathology, SA Pathology
Classification: Pathogenic for alpha Thalassemia. Last evaluated: 2022-12-05. Review status: criteria provided, single submitter. Criteria: ACMG Guidelines, 2015. Collection method: clinical testing. Allele origin: germline. Inheritance: Autosomal recessive inheritance. Affected: yes. Not counted in ClinVar's aggregate classification.
Comment: The HBA2 c.95+2_95+6del variant is classified as Pathogenic (PVS1, PS4, PP4) The HBA2 c.95+2_95+6del variant is located in a splice donor region. Computational predictions support a deleterious effect on splicing and a likely disruption of the protein reading frame and non-sense mediated decay of the resulting protein product (PVS1). This pentanucleotide HBA2:c.95+2_95+6delTGAGG deletion occurs within the 5' splice junction of the first intervening sequence, preventing normal RNA splicing. This mutation is listed on the Haemoglobin Variant Database as an alpha thalassaemia mutation (PMID: 7151175) (PS4). Present in numerous internal database patients as per alamut with consistent symptoms of alpha thalassaemia carrier. No functional studies performed. The clinical features of this case are highly specific for HBA1/2, and this patient has a well-defined syndrome with little overlap with other clinical presentations (PP4). Variants in HBA1/2 are highly specific for alpha thalassaemia. The variant has been reported in dbSNP (rs41474145) and has been reported as Pathogenic by other diagnostic laboratories (ClinVar Variation ID: 375746). It has been reported in HGMD (CD810004).

GeneDx
Classification: Pathogenic. Last evaluated: 2022-04-18. Review status: criteria provided, single submitter. Criteria: GeneDx Variant Classification Process June 2021. Collection method: clinical testing. Allele origin: germline. Affected: yes. Not counted in ClinVar's aggregate classification.
Comment: Common variant reported in individuals of Mediterranean ethnicity with HbH disease (Orkin et al., 1981; Mesbah-Amroun et al., 2008; Farra et al., 2014; de la Fuent-Gonzalo et al., 2019); Canonical splice site variant predicted to result in a null allele in a gene for which loss-of-function is a known mechanism of disease; Also denoted as IVS1-5nt and alpha-Hph due to alternative nomenclature; This variant is associated with the following publications: (PMID: 6946451, 15365991, 26771086, 31025160, 7151175, 25284125, 18473243, 23215864, 31589614, 29627922)

Fulgent Genetics
Classification: Pathogenic for Heinz body anemia; alpha Thalassemia; Hemoglobin H disease; Erythrocytosis, familial, 7. Last evaluated: 2022-02-24. Review status: criteria provided, single submitter. Criteria: ACMG Guidelines, 2015. Collection method: clinical testing. Allele origin: unknown. Not counted in ClinVar's aggregate classification.

GeneReviews
No classification provided. Condition: alpha Thalassemia. Review status: no classification provided. Collection method: literature only. Allele origin: germline. Not counted in ClinVar's aggregate classification.

Literature cited by the submitters: PubMed 27339814 (cited by Natera, Inc.); PubMed 27199182 (cited by Natera, Inc.); PubMed 22324317 (cited by Natera, Inc.); PubMed 31304855 (cited by Natera, Inc.); PubMed 27690152 (cited by Natera, Inc.); PubMed 31755088 (cited by Natera, Inc.); PubMed 7151175 (cited by 4 submitters); PubMed 28160324 (cited by Center for Genomic Medicine, Rigshospitalet, Copenhagen University Hospital); PubMed 23181750 (cited by Center for Genomic Medicine, Rigshospitalet, Copenhagen University Hospital); PubMed 26771086 (cited by Quest Diagnostics Nichols Institute San Juan Capistrano); PubMed 32498570 (cited by Quest Diagnostics Nichols Institute San Juan Capistrano); PubMed 29115104 (cited by Quest Diagnostics Nichols Institute San Juan Capistrano); PubMed 38708170 (cited by Quest Diagnostics Nichols Institute San Juan Capistrano); PubMed 31589614 (cited by Quest Diagnostics Nichols Institute San Juan Capistrano); PubMed 29627922 (cited by Quest Diagnostics Nichols Institute San Juan Capistrano); PubMed 32751969 (cited by Quest Diagnostics Nichols Institute San Juan Capistrano); PubMed 32893703 (cited by Quest Diagnostics Nichols Institute San Juan Capistrano); PubMed 20507641 (cited by Quest Diagnostics Nichols Institute San Juan Capistrano); PubMed 6946451 (cited by 3 submitters); PubMed 18473243 (cited by Quest Diagnostics Nichols Institute San Juan Capistrano); PubMed 15365991 (cited by Quest Diagnostics Nichols Institute San Juan Capistrano and Laboratory for Molecular Medicine, Mass General Brigham Personalized Medicine); NCBI Bookshelf NBK1435 (cited by GeneReviews).